The following is an entry in ClinVar:

ClinVar aggregate classification (germline): Conflicting classifications of pathogenicity. Review status: criteria provided, conflicting classifications (1 of 4 stars). 2 submissions from 2 submitters: Uncertain significance (1); Likely benign (1). Last evaluated 2025-10-09.

Conditions:
Hereditary cancer-predisposing syndrome. Also called: Tumor predisposition; Hereditary Cancer Syndrome; Hereditary neoplastic syndrome; Neoplastic Syndromes, Hereditary. Identifiers: Orphanet 140162, MedGen C0027672, MeSH D009386, MONDO:0015356.
Fanconi anemia complementation group O. Also called: RAD51C-Related Fanconi Anemia. Identifiers: Orphanet 84, MedGen C3150653, MONDO:0013248, OMIM 613390.

Submissions (2):

Ambry Genetics
Classification: Likely benign for Hereditary cancer-predisposing syndrome. Last evaluated: 2025-10-09. Review status: criteria provided, single submitter. Criteria: Ambry Variant Classification Scheme 2023. Collection method: clinical testing. Allele origin: germline.

Labcorp Genetics (formerly Invitae), Labcorp
Classification: Uncertain significance for Fanconi anemia complementation group O. Last evaluated: 2024-06-21. Review status: criteria provided, single submitter. Criteria: Invitae Variant Classification Sherloc (09022015). Collection method: clinical testing. Allele origin: germline.
Comment: This sequence change replaces glutamine, which is neutral and polar, with histidine, which is basic and polar, at codon 285 of the RAD51C protein (p.Gln285His). This variant is not present in population databases (gnomAD no frequency). This variant has not been reported in the literature in individuals affected with RAD51C-related conditions. ClinVar contains an entry for this variant (Variation ID: 233383). Advanced modeling of protein sequence and biophysical properties (such as structural, functional, and spatial information, amino acid conservation, physicochemical variation, residue mobility, and thermodynamic stability) performed at Invitae indicates that this missense variant is not expected to disrupt RAD51C protein function with a negative predictive value of 80%. In summary, the available evidence is currently insufficient to determine the role of this variant in disease. Therefore, it has been classified as a Variant of Uncertain Significance.

NM_058216.3(RAD51C):c.855G>T (p.Gln285His)

Gene: RAD51C (RAD51 paralog C; plus strand). Cytogenetic location: 17q22.
Variant type: single nucleotide variant.
Coding change: c.855G>T on transcript NM_058216.3 (MANE Select); coding-DNA position 855, G replaced by T.
Protein change: p.Gln285His; replaces glutamine 285 with histidine.
Molecular consequence: missense variant. On other transcripts: non-coding transcript variant (1).
Genome position (GRCh38, 1-based): chr17:58,720,763, G>T. VCF-style: chr17-58720763-G-T. GRCh37 (hg19) VCF-style: chr17-56798124-G-T.
Other names: short protein forms Q285H.
Identifiers: ClinVar variation 233383 (VCV000233383.14), dbSNP rs876660369, ClinGen allele CA10580754.